The following is an entry in ClinVar:

ClinVar aggregate classification (germline): Uncertain significance (1 of 4 stars; one submission).

Submission:

Labcorp Genetics (formerly Invitae), Labcorp
Classification: Uncertain significance. Last evaluated: 2021-08-31. Review status: criteria provided, single submitter. Criteria: Invitae Variant Classification Sherloc (09022015). Collection method: clinical testing. Allele origin: germline.
Comment: This sequence change replaces glutamine with histidine at codon 224 of the HSD17B3 protein (p.Gln224His). The glutamine residue is highly conserved and there is a small physicochemical difference between glutamine and histidine. This variant also falls at the last nucleotide of exon 9, which is part of the consensus splice site for this exon. This variant is not present in population databases (ExAC no frequency). This variant has not been reported in the literature in individuals affected with HSD17B3-related conditions. Algorithms developed to predict the effect of missense changes on protein structure and function are either unavailable or do not agree on the potential impact of this missense change (SIFT: "Deleterious"; PolyPhen-2: "Probably Damaging"; Align-GVGD: "Class C0"). Variants that disrupt the consensus splice site are a relatively common cause of aberrant splicing (PMID: 17576681, 9536098). Algorithms developed to predict the effect of sequence changes on RNA splicing suggest that this variant may disrupt the consensus splice site. In summary, the available evidence is currently insufficient to determine the role of this variant in disease. Therefore, it has been classified as a Variant of Uncertain Significance.

Literature cited by the submitters: PubMed 17576681; PubMed 9536098.

NM_000197.2(HSD17B3):c.672G>T (p.Gln224His)

Genes: HSD17B3 (hydroxysteroid 17-beta dehydrogenase 3; minus strand), SLC35D2-HSD17B3 (SLC35D2-HSD17B3 readthrough; minus strand). Cytogenetic location: 9q22.32.
Variant type: single nucleotide variant.
Coding change: c.672G>T on transcript NM_000197.2 (MANE Select); coding-DNA position 672, G replaced by T.
Protein change: p.Gln224His; replaces glutamine 224 with histidine.
Molecular consequence: missense variant.
Genome position (GRCh38, 1-based): chr9:96,244,329, C>A on the plus strand (G>T on the coding strand, the complement: HSD17B3 is on the minus strand). VCF-style: chr9-96244329-C-A. GRCh37 (hg19) VCF-style: chr9-99006611-C-A.
Other names: short protein forms Q224H.
Identifiers: ClinVar variation 1478648 (VCV001478648.5), dbSNP rs2130712081, ClinGen allele CA374123407.